The following is an entry in ClinVar:

ClinVar aggregate classification (germline): Likely benign. Review status: criteria provided, multiple submitters, no conflicts (2 of 4 stars). 2 submissions from 2 submitters: Likely benign (2). Last evaluated 2025-06-09.

Conditions:
Developmental and epileptic encephalopathy, 1 (DEE1). Also called: X-linked infantile spasms; West's syndrome; Tonic spasms with clustering, arrest of psychomotor development and hypsarrhythmia on EEG; X-Linked Infantile Spasm Syndrome; OHTAHARA SYNDROME, X-LINKED; INFANTILE SPASM SYNDROME, X-LINKED 1. Identifiers: MedGen C3463992, MONDO:0010632, OMIM 308350. Disease mechanism: loss of function.
Autosomal recessive spinocerebellar ataxia 12. Also called: SPINOCEREBELLAR ATAXIA WITH MENTAL RETARDATION AND EPILEPSY. Identifiers: Orphanet 284282, MedGen C3280452, MONDO:0013687, OMIM 614322.

Allele frequency attached by ClinVar (database versions not stated): TOPMed 0.00001.

Submissions (2):

Labcorp Genetics (formerly Invitae), Labcorp
Classification: Likely benign for Developmental and epileptic encephalopathy, 1; Autosomal recessive spinocerebellar ataxia 12. Last evaluated: 2025-06-09. Review status: criteria provided, single submitter. Criteria: Invitae Variant Classification Sherloc (09022015). Collection method: clinical testing. Allele origin: germline.

GeneDx
Classification: Likely benign. Last evaluated: 2017-06-14. Review status: criteria provided, single submitter. Criteria: GeneDx Variant Classification (06012015). Collection method: clinical testing. Allele origin: germline. Affected: yes.
Comment: This variant is considered likely benign or benign based on one or more of the following criteria: it is a conservative change, it occurs at a poorly conserved position in the protein, it is predicted to be benign by multiple in silico algorithms, and/or has population frequency not consistent with disease.

NM_016373.4(WWOX):c.792-15T>C

Gene: WWOX (WW domain containing oxidoreductase; plus strand). Cytogenetic location: 16q23.1.
Variant type: single nucleotide variant.
Coding change: c.792-15T>C on transcript NM_016373.4 (MANE Select); 15 bases into the intron before coding-DNA position 792, T replaced by C.
Molecular consequence: intron variant.
Genome position (GRCh38, 1-based): chr16:78,432,473, T>C. VCF-style: chr16-78432473-T-C. GRCh37 (hg19) VCF-style: chr16-78466370-T-C.
Other names: c.453-15T>C (NM_001291997.2).
Identifiers: ClinVar variation 517985 (VCV000517985.9), dbSNP rs769065057, ClinGen allele CA658798639.